The following is an entry in ClinVar:

NM_015450.3(POT1):c.1572G>A (p.Trp524Ter)

Gene: POT1 (protection of telomeres 1; minus strand). Cytogenetic location: 7q31.33.
Variant type: single nucleotide variant.
Coding change: c.1572G>A on transcript NM_015450.3 (MANE Select); coding-DNA position 1572, G replaced by A.
Protein change: p.Trp524Ter; replaces tryptophan 524 with a stop codon.
Molecular consequence: nonsense. On other transcripts: non-coding transcript variant (2).
Genome position (GRCh38, 1-based): chr7:124,829,276, C>T on the plus strand (G>A on the coding strand, the complement: POT1 is on the minus strand). VCF-style: chr7-124829276-C-T. GRCh37 (hg19) VCF-style: chr7-124469330-C-T.
Other names: c.1572G>A (NM_015450.2); c.1179G>A, p.Trp393Ter (NM_001042594.2); short protein forms W393*, W524*.
Identifiers: ClinVar variation 1337751 (VCV001337751.10), dbSNP rs1794703569, ClinGen allele CA369064390.

ClinVar aggregate classification (germline): Pathogenic/Likely pathogenic. Review status: criteria provided, multiple submitters, no conflicts (2 of 4 stars). 3 submissions from 3 submitters: Pathogenic (2); Likely pathogenic (1). Last evaluated 2025-08-09.

Conditions:
Tumor predisposition syndrome 3 (TPDS3). Also called: Melanoma, cutaneous malignant, susceptibility to, 10; Glioma susceptibility 9; LONG TELOMERE SYNDROME, POT1-RELATED; POT1 Tumor Predisposition. Identifiers: Orphanet 618, MedGen C4014476, MONDO:0014368, OMIM 615848.
Hereditary cancer-predisposing syndrome. Also called: Neoplastic Syndromes, Hereditary; Tumor predisposition; Hereditary Cancer Syndrome; Hereditary neoplastic syndrome. Identifiers: Orphanet 140162, MedGen C0027672, MeSH D009386, MONDO:0015356.

Submissions (3):

Labcorp Genetics (formerly Invitae), Labcorp
Classification: Pathogenic for Tumor predisposition syndrome 3. Last evaluated: 2025-08-09. Review status: criteria provided, single submitter. Criteria: Invitae Variant Classification Sherloc (09022015). Collection method: clinical testing. Allele origin: germline.
Comment: This sequence change creates a premature translational stop signal (p.Trp524*) in the POT1 gene. RNA analysis indicates that this premature translational stop signal induces altered splicing and may result in an absent or altered protein product. This variant is not present in population databases (gnomAD no frequency). This variant has not been reported in the literature in individuals affected with POT1-related conditions. ClinVar contains an entry for this variant (Variation ID: 1337751). Studies have shown that this premature translational stop signal results in skipping of exon 16, and produces a non-functional protein and/or introduces a premature termination codon (internal data). For these reasons, this variant has been classified as Pathogenic.

Ambry Genetics
Classification: Pathogenic for Hereditary cancer-predisposing syndrome. Last evaluated: 2024-02-01. Review status: criteria provided, single submitter. Criteria: Ambry Variant Classification Scheme 2023. Collection method: clinical testing. Allele origin: germline.
Comment: The p.W524* pathogenic mutation (also known as c.1572G>A), located in coding exon 12 of the POT1 gene, results from a G to A substitution at nucleotide position 1572. This changes the amino acid from a tryptophan to a stop codon within coding exon 12. This variant is considered to be rare based on population cohorts in the Genome Aggregation Database (gnomAD). This alteration is expected to result in loss of function by premature protein truncation or nonsense-mediated mRNA decay. As such, this alteration is interpreted as a disease-causing mutation.

Genetic Services Laboratory, University of Chicago
Classification: Likely pathogenic. Last evaluated: 2021-09-29. Review status: criteria provided, single submitter. Criteria: ACMG Guidelines, 2015. Collection method: clinical testing. Allele origin: germline. Affected: yes.
Comment: This sequence change results in the creation of a premature stop codon at amino acid position 524, p.W524*. It is predicted to result in an abnormal transcript, which may be degraded, or may lead to the production of a truncated POT1 protein with potentially abnormal function. This sequence change is absent in the gnomAD population database. The c.1572G>A change does not appear to have been previously described in individuals with POT1-related disorders. However, POT1 truncating variants (including a downstream truncating variant) have been reported in POT1-related disorders (PMID: 25482530, 28853721). Collectively, this evidence suggests c.1572G>A (p.W524*) is likely pathogenic, however functional studies have not been performed to prove this conclusively.